The following is an entry in ClinVar:

ClinVar aggregate classification (germline): Benign (1 of 4 stars; one submission).

Allele frequency attached by ClinVar (database versions not stated): gnomAD 0.13595 and 0.13831; 1000 Genomes Project 0.13958; 1000 Genomes Project 30x 0.14022; TOPMed 0.14284.

Submission:

GeneDx
Classification: Benign. Last evaluated: 2018-06-14. Review status: criteria provided, single submitter. Criteria: GeneDx Variant Classification (06012015). Collection method: clinical testing. Allele origin: germline. Affected: yes.
Comment: This variant is considered likely benign or benign based on one or more of the following criteria: it is a conservative change, it occurs at a poorly conserved position in the protein, it is predicted to be benign by multiple in silico algorithms, and/or has population frequency not consistent with disease.

NM_006996.3(SLC19A2):c.205-284T>G

Gene: SLC19A2 (solute carrier family 19 member 2; minus strand). Cytogenetic location: 1q24.2.
Variant type: single nucleotide variant.
Coding change: c.205-284T>G on transcript NM_006996.3 (MANE Select); 284 bases into the intron before coding-DNA position 205, T replaced by G.
Molecular consequence: intron variant.
Genome position (GRCh38, 1-based): chr1:169,478,041, A>C on the plus strand (T>G on the coding strand, the complement: SLC19A2 is on the minus strand). VCF-style: chr1-169478041-A-C. GRCh37 (hg19) VCF-style: chr1-169447279-A-C.
Other names: c.204+7522T>G (NM_001319667.1).
Identifiers: ClinVar variation 683853 (VCV000683853.1), dbSNP rs12239720, ClinGen allele CA10886901.
Genomic context (GRCh38, chr1:169,478,041, plus strand): 5'-ACTGCAACCTCTGCCTCCCAGGTTCAAGTGATTCTCCTGCCTCAGCCTCCCGAATAGCTG[A>C]GATTACAGGGACCCACCATCACGCCTGGCTAATTTTTGTATTTTTAGTAGAGGTGGGGTT-3'